The following is an entry in ClinVar:

NM_032242.4(PLXNA1):c.3477C>A (p.Gly1159=)

Gene: PLXNA1 (plexin A1; plus strand). Cytogenetic location: 3q21.3.
Variant type: single nucleotide variant.
Coding change: c.3477C>A on transcript NM_032242.4 (MANE Select); coding-DNA position 3477, C replaced by A.
Protein change: p.Gly1159=; no amino-acid change (glycine 1159 retained).
Molecular consequence: synonymous variant.
Genome position (GRCh38, 1-based): chr3:127,017,625, C>A. VCF-style: chr3-127017625-C-A. GRCh37 (hg19) VCF-style: chr3-126736468-C-A.
Identifiers: ClinVar variation 3352392 (VCV003352392.1).

ClinVar aggregate classification (germline): Likely benign (0 of 4 stars; one submission).

Conditions:
PLXNA1-related disorder. Also called: PLXNA1-related condition.

gnomAD v4.1: 20 of 1,613,534 alleles (0.0012%); highest among the groups gnomAD compares: African/African-American, 0.004%; no homozygotes.

Submission:

PreventionGenetics, part of Exact Sciences
Classification: Likely benign for PLXNA1-related condition. Last evaluated: 2024-07-10. Review status: no assertion criteria provided. Collection method: clinical testing. Allele origin: germline.
Comment: This variant is classified as likely benign based on ACMG/AMP sequence variant interpretation guidelines (Richards et al. 2015 PMID: 25741868, with internal and published modifications).